The following is an entry in ClinVar:

NM_022437.3(ABCG8):c.644G>A (p.Gly215Glu)

Gene: ABCG8 (ATP binding cassette subfamily G member 8; plus strand). Cytogenetic location: 2p21.
Variant type: single nucleotide variant.
Coding change: c.644G>A on transcript NM_022437.3 (MANE Select); coding-DNA position 644, G replaced by A.
Protein change: p.Gly215Glu; replaces glycine 215 with glutamic acid.
Molecular consequence: missense variant.
Genome position (GRCh38, 1-based): chr2:43,852,436, G>A. VCF-style: chr2-43852436-G-A. GRCh37 (hg19) VCF-style: chr2-44079575-G-A.
Other names: c.644G>A, p.Gly215Glu (NM_001357321.2); short protein forms G215E.
Identifiers: ClinVar variation 3312516 (VCV003312516.1).

ClinVar aggregate classification (germline): Uncertain significance (1 of 4 stars; one submission).

Conditions:
Cardiovascular phenotype. Identifiers: MedGen CN230736.

gnomAD v4.1: 4 of 1,612,826 alleles (0.00025%); highest among the groups gnomAD compares: Non-Finnish European, 0.00025%; no homozygotes.

Submission:

Ambry Genetics
Classification: Uncertain significance for Cardiovascular phenotype. Last evaluated: 2024-03-20. Review status: criteria provided, single submitter. Criteria: Ambry Variant Classification Scheme 2023. Collection method: clinical testing. Allele origin: germline.
Comment: The p.G215E variant (also known as c.644G>A), located in coding exon 5 of the ABCG8 gene, results from a G to A substitution at nucleotide position 644. The glycine at codon 215 is replaced by glutamic acid, an amino acid with similar properties. This amino acid position is conserved. In addition, this alteration is predicted to be deleterious by in silico analysis. Based on the available evidence, the clinical significance of this alteration remains unclear.